The following is an entry in ClinVar:

ClinVar aggregate classification (germline): Likely pathogenic (1 of 4 stars; one submission).

Conditions:
Leber congenital amaurosis (LCA). Also called: Leber's amaurosis. Identifiers: Orphanet 65, MedGen C0339527, MeSH D057130, MONDO:0018998.

Submission:

Natera, Inc.
Classification: Likely pathogenic for Leber congenital amaurosis. Last evaluated: 2024-09-16. Review status: criteria provided, single submitter. Criteria: Natera Variant Classification Schema (03/2026). Collection method: clinical testing. Allele origin: germline.
Comment: The c.2483+1G>T variant in CEP290 is a canonical splice donor site variant predicted to affect pre-mRNA splicing, which may result in an abnormal transcript and altered protein product. This variant is expected to result in nonsense mediated decay, truncation, or a dysfunctional protein product. This variant is rare in the general population with a frequency below the threshold expected for the associated phenotype(s). Given the available evidence, this variant is classified as Likely Pathogenic.

NM_025114.4(CEP290):c.2483+1G>T

Gene: CEP290 (centrosomal protein 290; minus strand). Cytogenetic location: 12q21.32.
Variant type: single nucleotide variant.
Coding change: c.2483+1G>T on transcript NM_025114.4 (MANE Select); the canonical splice donor site of the intron after coding-DNA position 2483, G replaced by T.
Molecular consequence: splice donor variant.
Genome position (GRCh38, 1-based): chr12:88,109,065, C>A on the plus strand (G>T on the coding strand, the complement: CEP290 is on the minus strand). VCF-style: chr12-88109065-C-A. GRCh37 (hg19) VCF-style: chr12-88502842-C-A.
Identifiers: ClinVar variation 4816198 (VCV004816198.1).
Genomic context (GRCh38, chr12:88,109,065, plus strand): 5'-TACTTTCACAATTAACAAGAATATACTGCAATTATATTTATAGTTTTGCTAATACCTATA[C>A]CTTAGGTATTCTTTATACAACAAACTTTGTTGATGACGAATTACAGCAAATTTTCTGTTG-3'